The following is an entry in ClinVar:

ClinVar aggregate classification (germline): Benign. Review status: criteria provided, multiple submitters, no conflicts (2 of 4 stars). 4 submissions from 4 submitters: Benign (4). Last evaluated 2026-02-03.

Conditions:
Congenital stationary night blindness 1C. Also called: Night blindness, congenital stationary (complete), 1C, autosomal recessive. Identifiers: Orphanet 215, MedGen C2750747, MONDO:0013183, OMIM 613216.

Allele frequency attached by ClinVar (database versions not stated): TOPMed 0.06029; gnomAD exomes 0.06322; gnomAD 0.06326 and 0.06408; ESP Exome Variant Server 0.06359; ExAC 0.06530; 1000 Genomes Project 30x 0.06636; 1000 Genomes Project 0.06829.
gnomAD v4.1: 97,423 of 1,614,030 alleles (6%); highest among the groups gnomAD compares: South Asian, 13%; 3,520 homozygotes.

Submissions (4):

Labcorp Genetics (formerly Invitae), Labcorp
Classification: Benign. Last evaluated: 2026-02-03. Review status: criteria provided, single submitter. Criteria: Invitae Variant Classification Sherloc (09022015). Collection method: clinical testing. Allele origin: germline.

Genome-Nilou Lab
Classification: Benign for Congenital stationary night blindness 1C. Last evaluated: 2021-09-10. Review status: criteria provided, single submitter. Criteria: ACMG Guidelines, 2015. Collection method: clinical testing. Allele origin: germline. Affected: no.

Illumina Laboratory Services, Illumina
Classification: Benign for Congenital stationary night blindness 1C. Last evaluated: 2018-03-06. Review status: criteria provided, single submitter. Criteria: ICSL Variant Classification Criteria 13 December 2019. Collection method: clinical testing. Allele origin: germline.
Comment: This variant was observed in the ICSL laboratory as part of a predisposition screen in an ostensibly healthy population. It had not been previously curated by ICSL or reported in the Human Gene Mutation Database (HGMD: prior to June 1st, 2018), and was therefore a candidate for classification through an automated scoring system. Utilizing variant allele frequency, disease prevalence and penetrance estimates, and inheritance mode, an automated score was calculated to assess if this variant is too frequent to cause the disease. Based on the score and internal cut-off values, a variant classified as benign is not then subjected to further curation. The score for this variant resulted in a classification of benign for this disease.

Breakthrough Genomics
Classification: Benign. Review status: criteria provided, single submitter. Criteria: ACMG Guidelines, 2015. Collection method: not provided. Allele origin: germline. Inheritance: Unknown mechanism. Affected: yes.

NM_001252024.2(TRPM1):c.4189G>T (p.Glu1397Ter)

Gene: TRPM1 (transient receptor potential cation channel subfamily M member 1; minus strand). Cytogenetic location: 15q13.3.
Variant type: single nucleotide variant.
Coding change: c.4189G>T on transcript NM_001252024.2 (MANE Select); coding-DNA position 4189, G replaced by T.
Protein change: p.Glu1397Ter; replaces glutamic acid 1397 with a stop codon.
Molecular consequence: nonsense.
Genome position (GRCh38, 1-based): chr15:31,002,511, C>A on the plus strand (G>T on the coding strand, the complement: TRPM1 is on the minus strand). VCF-style: chr15-31002511-C-A. GRCh37 (hg19) VCF-style: chr15-31294714-C-A.
Other names: c.4240G>T, p.Glu1414Ter (NM_001252020.2); c.4123G>T, p.Glu1375Ter (NM_002420.6); short protein forms E1375*, E1414*, E1397*.
Identifiers: ClinVar variation 315498 (VCV000315498.17), dbSNP rs3784589, ClinGen allele CA7451688.